The following is an entry in ClinVar:

ClinVar aggregate classification (germline): Uncertain significance. Review status: criteria provided, multiple submitters, no conflicts (2 of 4 stars). 3 submissions from 3 submitters: Uncertain significance (3). Last evaluated 2025-06-16.

Conditions:
Inborn genetic diseases. Identifiers: MedGen C0950123, MeSH D030342.

Allele frequency attached by ClinVar (database versions not stated): gnomAD 0.00002.
gnomAD v4.1: 13 of 1,612,650 alleles (0.00081%); highest among the groups gnomAD compares: Admixed American, 0.0067%; no homozygotes.

Submissions (3):

Labcorp Genetics (formerly Invitae), Labcorp
Classification: Uncertain significance. Last evaluated: 2025-06-16. Review status: criteria provided, single submitter. Criteria: Invitae Variant Classification Sherloc (09022015). Collection method: clinical testing. Allele origin: germline.
Comment: This sequence change replaces histidine, which is basic and polar, with tyrosine, which is neutral and polar, at codon 302 of the TFRC protein (p.His302Tyr). This variant is present in population databases (rs368049940, gnomAD 0.0009%). This variant has not been reported in the literature in individuals affected with TFRC-related conditions. ClinVar contains an entry for this variant (Variation ID: 1396837). Invitae Evidence Modeling of protein sequence and biophysical properties (such as structural, functional, and spatial information, amino acid conservation, physicochemical variation, residue mobility, and thermodynamic stability) indicates that this missense variant is expected to disrupt TFRC protein function with a positive predictive value of 80%. In summary, the available evidence is currently insufficient to determine the role of this variant in disease. Therefore, it has been classified as a Variant of Uncertain Significance.

Ambry Genetics
Classification: Uncertain significance for Inborn genetic diseases. Last evaluated: 2024-02-28. Review status: criteria provided, single submitter. Criteria: Ambry Variant Classification Scheme 2023. Collection method: clinical testing. Allele origin: germline.

Blueprint Genetics
Classification: Uncertain significance. Last evaluated: 2021-05-11. Review status: criteria provided, single submitter. Criteria: ACMG Guidelines, 2015. Collection method: clinical testing. Allele origin: germline.

NM_001128148.3(TFRC):c.904C>T (p.His302Tyr)

Gene: TFRC (transferrin receptor; minus strand). Cytogenetic location: 3q29.
Variant type: single nucleotide variant.
Coding change: c.904C>T on transcript NM_001128148.3 (MANE Select); coding-DNA position 904, C replaced by T.
Protein change: p.His302Tyr; replaces histidine 302 with tyrosine.
Molecular consequence: missense variant.
Genome position (GRCh38, 1-based): chr3:196,067,654, G>A on the plus strand (C>T on the coding strand, the complement: TFRC is on the minus strand). VCF-style: chr3-196067654-G-A. GRCh37 (hg19) VCF-style: chr3-195794525-G-A.
Other names: c.661C>T, p.His221Tyr (NM_001313965.2); c.58C>T, p.His20Tyr (NM_001313966.2); c.904C>T, p.His302Tyr (NM_003234.4); c.904C>T (NM_003234.2); short protein forms H20Y, H221Y, H302Y.
Identifiers: ClinVar variation 1396837 (VCV001396837.9), dbSNP rs368049940, ClinGen allele CA2778139.